The following is an entry in ClinVar:

NM_014915.3(ANKRD26):c.3368A>G (p.Asn1123Ser)

Gene: ANKRD26 (ankyrin repeat domain 26; minus strand). Cytogenetic location: 10p12.1.
Variant type: single nucleotide variant.
Coding change: c.3368A>G on transcript NM_014915.3 (MANE Select); coding-DNA position 3368, A replaced by G.
Protein change: p.Asn1123Ser; replaces asparagine 1123 with serine.
Molecular consequence: missense variant.
Genome position (GRCh38, 1-based): chr10:27,035,082, T>C on the plus strand (A>G on the coding strand, the complement: ANKRD26 is on the minus strand). VCF-style: chr10-27035082-T-C. GRCh37 (hg19) VCF-style: chr10-27324011-T-C.
Other names: c.3365A>G, p.Asn1122Ser (NM_001256053.2); short protein forms N1122S, N1123S.
Identifiers: ClinVar variation 4859150 (VCV004859150.1).

ClinVar aggregate classification (germline): Uncertain significance (1 of 4 stars; one submission).

Conditions:
Inborn genetic diseases. Identifiers: MedGen C0950123, MeSH D030342.

gnomAD v4.1: 2 of 1,613,282 alleles (0.00012%); highest among the groups gnomAD compares: African/African-American, 0.0013%; no homozygotes.

Submission:

Ambry Genetics
Classification: Uncertain significance for Inborn genetic diseases. Last evaluated: 2026-03-25. Review status: criteria provided, single submitter. Criteria: Ambry Variant Classification Scheme 2023. Collection method: clinical testing. Allele origin: germline.
Comment: The p.N1123S variant (also known as c.3368A>G), located in coding exon 24 of the ANKRD26 gene, results from an A to G substitution at nucleotide position 3368. The asparagine at codon 1123 is replaced by serine, an amino acid with highly similar properties. This amino acid position is conserved. In addition, this alteration is predicted to be tolerated by in silico analysis. Based on the available evidence, the clinical significance of this variant remains unclear.